The following is an entry in ClinVar:

ClinVar aggregate classification (germline): Uncertain significance (1 of 4 stars; one submission).

Conditions:
KIDINS220-related disorder. Also called: KIDINS220-related condition.

gnomAD v4.1: 1 of 1,610,234 alleles (0.000062%); highest among the groups gnomAD compares: Non-Finnish European, 0.000085%; no homozygotes.

Submission:

PreventionGenetics, part of Exact Sciences
Classification: Uncertain significance for KIDINS220-related condition. Last evaluated: 2026-04-28. Review status: criteria provided, single submitter. Criteria: ACMG Guidelines, 2015. Collection method: clinical testing. Allele origin: germline.
Comment: The KIDINS220 c.1000-3C>T variant is predicted to interfere with splicing. To our knowledge, this variant has not been reported in the literature or in a large population database (gnomAD), indicating this variant is rare. At this time, the clinical significance of this variant is uncertain due to the absence of conclusive functional and genetic evidence.

NM_020738.4(KIDINS220):c.1000-3C>T

Gene: KIDINS220 (kinase D interacting substrate 220; minus strand). Cytogenetic location: 2p25.1.
Variant type: single nucleotide variant.
Coding change: c.1000-3C>T on transcript NM_020738.4 (MANE Select); 3 bases into the intron before coding-DNA position 1000, C replaced by T.
Molecular consequence: intron variant.
Genome position (GRCh38, 1-based): chr2:8,796,872, G>A on the plus strand (C>T on the coding strand, the complement: KIDINS220 is on the minus strand). VCF-style: chr2-8796872-G-A. GRCh37 (hg19) VCF-style: chr2-8937002-G-A.
Other names: c.1000-3C>T (NM_001348741.2, NM_001348738.2, NM_001348742.2 and 3 more transcripts); c.1003-3C>T (NM_001348739.2, NM_001348740.2, NM_001348734.2 and 3 more transcripts); c.874-3C>T (NM_001348736.2).
Identifiers: ClinVar variation 4999215 (VCV004999215.1).
Genomic context (GRCh38, chr2:8,796,872, plus strand): 5'-GCTCCACCACTTCAATGTTTCTCATCTTGGTAGCCTTTATAAGTGGCGTTTCACCATCCT[G>A]TGGGCACAAATAAGAACATTTGCCAGATTAATAGCTTGACTCCTGTGTTTATGTCATACA-3'